The following is an entry in ClinVar:

NM_000135.4(FANCA):c.3829-1G>T

Genes: FANCA (FA complementation group A; minus strand), ZNF276 (zinc finger protein 276; plus strand). Cytogenetic location: 16q24.3.
Variant type: single nucleotide variant.
Coding change: c.3829-1G>T on transcript NM_000135.4 (MANE Select); the canonical splice acceptor site of the intron before coding-DNA position 3829, G replaced by T.
Molecular consequence: splice acceptor variant. On other transcripts: 3 prime UTR variant (2), non-coding transcript variant (4).
Genome position (GRCh38, 1-based): chr16:89,740,100, C>A on the plus strand (G>T on the coding strand, the complement: FANCA is on the minus strand). VCF-style: chr16-89740100-C-A. GRCh37 (hg19) VCF-style: chr16-89806508-C-A.
Other names: c.*1854C>A (NM_001113525.2, NM_152287.4); c.3829-1G>T (NM_001286167.3).
Identifiers: ClinVar variation 4817535 (VCV004817535.1).

ClinVar aggregate classification (germline): Likely pathogenic (1 of 4 stars; one submission).

Conditions:
Fanconi anemia (FA). Also called: Fanconi's anemia. Identifiers: Orphanet 84, MedGen C0015625, MeSH D005199, MONDO:0019391.

Submission:

Natera, Inc.
Classification: Likely pathogenic for Fanconi anemia. Last evaluated: 2024-06-18. Review status: criteria provided, single submitter. Criteria: Natera Variant Classification Schema (03/2026). Collection method: clinical testing. Allele origin: germline.
Comment: The c.3829-1G>T variant in FANCA is a canonical splice acceptor site variant predicted to affect pre-mRNA splicing, which may result in an abnormal transcript and altered protein product. This variant is expected to result in nonsense mediated decay, truncation, or a dysfunctional protein product. This variant is rare in the general population with a frequency below the threshold expected for the associated phenotype(s). Given the available evidence, this variant is classified as Likely Pathogenic.